The following is an entry in ClinVar:

NM_020366.4(RPGRIP1):c.3835_3837del (p.Glu1279del)

Gene: RPGRIP1 (RPGR interacting protein 1; plus strand). Cytogenetic location: 14q11.2.
Variant type: Deletion.
Coding change: c.3835_3837del on transcript NM_020366.4 (MANE Select); coding-DNA positions 3835 to 3837, 3 bases deleted (GAG; older notation c.3835_3837delGAG).
Protein change: p.Glu1279del; deletes glutamic acid 1279.
Molecular consequence: inframe deletion.
Genome position (GRCh38, 1-based): chr14:21,351,190-21,351,192, GAG deleted; deleting any 3 consecutive bases within chr14:21,351,188-21,351,192 gives the same sequence; the c. name uses the placement nearest the transcript's 3' end. VCF-style (leftmost placement, unchanged base first): chr14-21351187-AAGG-A. GRCh37 (hg19) VCF-style: chr14-21819346-AAGG-A.
Other names: c.3835_3837delGAG (NM_020366.3); c.1813_1815del, p.Glu605del (NM_001377523.1, NM_001377950.1); c.2761_2763del, p.Glu921del (NM_001377948.1); c.1921_1923del, p.Glu641del (NM_001377949.1); c.1318_1320del, p.Glu440del (NM_001377951.1); short protein forms E1279del, E440del, E605del, E641del, E921del.
Identifiers: ClinVar variation 99824 (VCV000099824.10), dbSNP rs281865293, ClinGen allele CA227926.

ClinVar aggregate classification (germline): Uncertain significance. Review status: criteria provided, multiple submitters, no conflicts (2 of 4 stars). 7 submissions from 7 submitters: Uncertain significance (5). 2 of the submissions do not count toward it. Last evaluated 2025-07-02.

Conditions:
RPGRIP1-related disorder. Also called: RPGRIP1-related condition.
Retinal dystrophy. Also called: Inherited retinal dystrophy. Identifiers: Orphanet 71862, MedGen C0854723, MeSH D058499, MONDO:0019118, HP:0000556.
Cone-rod dystrophy 13 (CORD13). Identifiers: Orphanet 1872, MedGen C2750720, MONDO:0011987, OMIM 608194.
Leber congenital amaurosis 6 (LCA6). Identifiers: Orphanet 65, MedGen C1854260, MONDO:0013446, OMIM 613826.

Submissions (7):

PreventionGenetics, part of Exact Sciences
Classification: Uncertain significance for RPGRIP1-related condition. Last evaluated: 2025-07-02. Review status: criteria provided, single submitter. Criteria: ACMG Guidelines, 2015. Collection method: clinical testing. Allele origin: germline.
Comment: The RPGRIP1 c.3835_3837delGAG variant is predicted to result in an in-frame deletion (p.Glu1279del). This variant has been reported in the heterozygous state in a proband with Leber congenital amaurosis and the unaffected father; however, the affected cousin of the patient did not have the variant (Gerber et al. 2001. PubMed ID: 11528500). Functional studies provide conflicting evidence on the impact of this variant. One study revealed that this variant showed ~35% stronger interaction with the RPGR protein than the wildtype (gain of function) (Lu et al. 2005. PubMed ID: 15800011), whereas another study revealed that this variant does not affect co-localization with RPGR or cause aggregation of mutant RPGRIP1a1 upon co-expression of either RPGR isoforms. This variant is reported in 0.096% of alleles in individuals of European (Finnish) descent in gnomAD. At this time, the clinical significance of this variant is uncertain due to the absence of conclusive functional and genetic evidence.

Blueprint Genetics
Classification: Uncertain significance. Last evaluated: 2024-11-21. Review status: criteria provided, single submitter. Criteria: ACMG Guidelines, 2015. Collection method: clinical testing. Allele origin: germline.

Labcorp Genetics (formerly Invitae), Labcorp
Classification: Uncertain significance for Leber congenital amaurosis 6; Cone-rod dystrophy 13. Last evaluated: 2022-09-13. Review status: criteria provided, single submitter. Criteria: Invitae Variant Classification Sherloc (09022015). Collection method: clinical testing. Allele origin: germline.
Comment: This variant, c.3835_3837del, results in the deletion of 1 amino acid(s) of the RPGRIP1 protein (p.Glu1279del), but otherwise preserves the integrity of the reading frame. This variant is present in population databases (rs759881017, gnomAD 0.09%). This variant has been observed in individual(s) with Leber congenital amaurosis (PMID: 11528500, 29844330). ClinVar contains an entry for this variant (Variation ID: 99824). Algorithms developed to predict the effect of variants on protein structure and function are not available or were not evaluated for this variant. Experimental studies are conflicting or provide insufficient evidence to determine the effect of this variant on RPGRIP1 function (PMID: 15800011, 23213406). In summary, the available evidence is currently insufficient to determine the role of this variant in disease. Therefore, it has been classified as a Variant of Uncertain Significance.

Women's Health and Genetics/Laboratory Corporation of America, LabCorp
Classification: Uncertain significance. Last evaluated: 2022-05-26. Review status: criteria provided, single submitter. Criteria: LabCorp Variant Classification Summary - May 2015. Collection method: clinical testing. Allele origin: germline.
Comment: Variant summary: RPGRIP1 c.3835_3837delGAG (p.Glu1279del) results in an in-frame deletion that is predicted to remove one amino acids from the encoded protein. The variant allele was found at a frequency of 0.00015 in 245918 control chromosomes. This frequency is not significantly higher than expected for a pathogenic variant in RPGRIP1 causing Leber Congenital Amaurosis (0.00015 vs 0.0011), allowing no conclusion about variant significance. c.3835_3837delGAG has been reported in the literature in the heterozygous state in an individual affected with Leber Congenital Amaurosis whose affected cousin did not carry the variant (Gerber_2001). Additionally, the variant was reported in the heterozygous state in a patient with LCA who carried other potentially causitive mutations in GUCY2D (Hosono_2018). These clinical findings indicate the variant may not be associated with the disease. Functional studies have shown the variant to cause a significant enhancement of the interaction of RID with RPGR, an interaction highly resistant to stress stimuli, suggesting gain-of-function effect (Lu_2005). A second study reported the variant to not affect its co-localization with PGR119 or RPGRORF15, nor cause aggregation of mutant RPGRIP1a1 upon co-expression with either of the RPGR isoforms (Patil_2011). One clinical diagnostic laboratory has submitted clinical-significance assessments for this variant to ClinVar after 2014 without evidence for independent evaluation. One laboratory classified the variant as uncertain significance. Based on the evidence outlined above, the variant was classified as VUS - possibly benign.

Institute of Human Genetics, Univ. Regensburg, Univ. Regensburg
Classification: Uncertain significance for Retinal dystrophy. Last evaluated: 2020-01-01. Review status: criteria provided, single submitter. Criteria: ACMG Guidelines, 2015. Collection method: clinical testing. Allele origin: germline. Affected: yes.

OMIM
Classification: Pathogenic for LEBER CONGENITAL AMAUROSIS 6. Last evaluated: 2005-05-15. Review status: no assertion criteria provided. Collection method: literature only. Allele origin: germline. Not counted in ClinVar's aggregate classification.

Retina International
No classification provided. Review status: no classification provided. Collection method: not provided. Allele origin: not provided. Not counted in ClinVar's aggregate classification.

Literature cited by the submitters: PubMed 11528500 (cited by 4 submitters); PubMed 29844330 (cited by Labcorp Genetics (formerly Invitae), Labcorp and Women's Health and Genetics/Laboratory Corporation of America, LabCorp); PubMed 15800011 (cited by 4 submitters); PubMed 23213406 (cited by Labcorp Genetics (formerly Invitae), Labcorp and Women's Health and Genetics/Laboratory Corporation of America, LabCorp); PubMed 31964843 (cited by Institute of Human Genetics, Univ. Regensburg, Univ. Regensburg).